The following is an entry in ClinVar:

NM_030653.4(DDX11):c.1523T>G (p.Leu508Arg)

Gene: DDX11 (DEAD/H-box helicase 11; plus strand). Cytogenetic location: 12p11.21.
Variant type: single nucleotide variant.
Coding change: c.1523T>G on transcript NM_030653.4 (MANE Select); coding-DNA position 1523, T replaced by G.
Protein change: p.Leu508Arg; replaces leucine 508 with arginine.
Molecular consequence: missense variant.
Genome position (GRCh38, 1-based): chr12:31,096,638, T>G. VCF-style: chr12-31096638-T-G. GRCh37 (hg19) VCF-style: chr12-31249572-T-G.
Other names: c.1523T>G, p.Leu508Arg (NM_001257144.2, NM_004399.3, NM_152438.2); c.1445T>G, p.Leu482Arg (NM_001257145.2); c.1523T>G (NM_030653.3); short protein forms L508R, L482R.
Identifiers: ClinVar variation 377328 (VCV000377328.5), dbSNP rs1057520196, ClinGen allele CA16603342.
Genomic context (GRCh38, chr12:31,096,638, plus strand): 5'-AGCCTCTCTCTCATGGCTGTACCTCGTTCCTCTCCACTGCTCTCTCTCATCCCACCCAGC[T>G]CTTTGGATTCACTGAACGGTACGGAGCAGTGTTCTCATCCCGGGAGCAGCCCAAACTGGC-3'
Protein context (NP_085911.2, residues 498-518): YCEKSMISRK[Leu508Arg]FGFTERYGAV

ClinVar aggregate classification (germline): Uncertain significance. Review status: criteria provided, multiple submitters, no conflicts (2 of 4 stars). 2 submissions from 2 submitters: Uncertain significance (2). Last evaluated 2020-12-30.

Conditions:
Inborn genetic diseases. Identifiers: MedGen C0950123, MeSH D030342.

Allele frequency attached by ClinVar (database versions not stated): gnomAD 0.00001; TOPMed 0.00002.
gnomAD v4.1: 11 of 1,613,134 alleles (0.00068%); highest among the groups gnomAD compares: Non-Finnish European, 0.00093%; no homozygotes.

Submissions (2):

Ambry Genetics
Classification: Uncertain significance for Inborn genetic diseases. Last evaluated: 2020-12-30. Review status: criteria provided, single submitter. Criteria: Ambry Variant Classification Scheme 2023. Collection method: clinical testing. Allele origin: germline.
Comment: The c.1523T>G (p.L508R) alteration is located in exon 16 (coding exon 15) of the DDX11 gene. This alteration results from a T to G substitution at nucleotide position 1523, causing the leucine (L) at amino acid position 508 to be replaced by an arginine (R). Based on data from the Genome Aggregation Database (gnomAD), the DDX11 c.1523T>G alteration was not observed, with coverage at this position. The c.1523T>G alteration in DDX11 was previously detected in trans with c.1949-1G>A in two sisters with Warsaw breakage syndrome via clinical exome sequencing of the proband and parents. Both sisters were reported to have pre- and postnatal growth restriction, microcephaly, intellectual disability, sensorineural hearing loss with cochlear abnormalities, and facial dysmorphic features. Both sisters also showed a small increase in spontaneous and DEB-induced chromosome breaks that were not consistent with Fanconi anemia (Eppley, 2017). The p.L508 amino acid is conserved in available vertebrate species. The in silico prediction for the p.L508R alteration is inconclusive. Based on insufficient or conflicting evidence, the clinical significance of this alteration remains unclear.

Center for Pediatric Genomic Medicine, Children's Mercy Hospital and Clinics
Classification: Uncertain significance. Last evaluated: 2016-08-26. Review status: criteria provided, single submitter. Criteria: ACMG Guidelines, 2015. Collection method: clinical testing. Allele origin: germline.
ClinVar note: Converted during submission from Uncertain Significance to Uncertain significance.

Literature cited by the submitters: PubMed 28960803 (cited by Ambry Genetics).